The following is an entry in ClinVar:

ClinVar aggregate classification (germline): Uncertain significance (1 of 4 stars; one submission).

Conditions:
Neonatal-onset encephalopathy with rigidity and seizures. Also called: Lethal neonatal spasticity-epileptic encephalopathy syndrome. Identifiers: Orphanet 435845, MedGen C3281029, MONDO:0013784, OMIM 614498.

Allele frequency attached by ClinVar (database versions not stated): TOPMed below 0.00001; gnomAD 0.00001.
gnomAD v4.1: 6 of 1,612,800 alleles (0.00037%); highest among the groups gnomAD compares: South Asian, 0.0011%; no homozygotes.

Submission:

Labcorp Genetics (formerly Invitae), Labcorp
Classification: Uncertain significance for Neonatal-onset encephalopathy with rigidity and seizures. Last evaluated: 2022-07-18. Review status: criteria provided, single submitter. Criteria: Invitae Variant Classification Sherloc (09022015). Collection method: clinical testing. Allele origin: germline.
Comment: This sequence change replaces glycine, which is neutral and non-polar, with aspartic acid, which is acidic and polar, at codon 741 of the BRAT1 protein (p.Gly741Asp). In summary, the available evidence is currently insufficient to determine the role of this variant in disease. Therefore, it has been classified as a Variant of Uncertain Significance. Algorithms developed to predict the effect of missense changes on protein structure and function output the following: SIFT: "Tolerated"; PolyPhen-2: "Benign"; Align-GVGD: "Class C0". The aspartic acid amino acid residue is found in multiple mammalian species, which suggests that this missense change does not adversely affect protein function. This variant has not been reported in the literature in individuals affected with BRAT1-related conditions. This variant is not present in population databases (gnomAD no frequency).

NM_152743.4(BRAT1):c.2222G>A (p.Gly741Asp)

Gene: BRAT1 (BRCA1 associated ATM activator 1; minus strand). Cytogenetic location: 7p22.3.
Variant type: single nucleotide variant.
Coding change: c.2222G>A on transcript NM_152743.4 (MANE Select); coding-DNA position 2222, G replaced by A.
Protein change: p.Gly741Asp; replaces glycine 741 with aspartic acid.
Molecular consequence: missense variant. On other transcripts: non-coding transcript variant (1).
Genome position (GRCh38, 1-based): chr7:2,538,313, C>T on the plus strand (G>A on the coding strand, the complement: BRAT1 is on the minus strand). VCF-style: chr7-2538313-C-T. GRCh37 (hg19) VCF-style: chr7-2577947-C-T.
Other names: c.2402G>A, p.Gly801Asp (NM_001350626.2); c.1697G>A, p.Gly566Asp (NM_001350627.2); short protein forms G801D, G566D, G741D.
Identifiers: ClinVar variation 2048079 (VCV002048079.4), dbSNP rs770266976, ClinGen allele CA366624201.